The following is an entry in ClinVar:

ClinVar aggregate classification (germline): Uncertain significance (1 of 4 stars; one submission).

Submission:

GeneDx
Classification: Uncertain significance. Last evaluated: 2022-05-26. Review status: criteria provided, single submitter. Criteria: GeneDx Variant Classification Process June 2021. Collection method: clinical testing. Allele origin: germline. Affected: yes.
Comment: Has not been previously published as pathogenic or benign to our knowledge; Not observed at significant frequency in large population cohorts (gnomAD); In silico analysis supports that this missense variant does not alter protein structure/function

NM_006015.6(ARID1A):c.2543C>A (p.Pro848Gln)

Gene: ARID1A (AT-rich interaction domain 1A; plus strand). Cytogenetic location: 1p36.11.
Variant type: single nucleotide variant.
Coding change: c.2543C>A on transcript NM_006015.6 (MANE Select); coding-DNA position 2543, C replaced by A.
Protein change: p.Pro848Gln; replaces proline 848 with glutamine.
Molecular consequence: missense variant.
Genome position (GRCh38, 1-based): chr1:26,763,096, C>A. VCF-style: chr1-26763096-C-A. GRCh37 (hg19) VCF-style: chr1-27089587-C-A.
Other names: c.2543C>A, p.Pro848Gln (NM_139135.4); short protein forms P848Q.
Identifiers: ClinVar variation 1800951 (VCV001800951.1), dbSNP rs771192642, ClinGen allele CA339156774.
Genomic context (GRCh38, chr1:26,763,096, plus strand): 5'-TGGCTGGAGGCATAAACCCCATGGGTGCCGGAGGTCAAATGCATGGACAGCCTGGCATCC[C>A]ACCTTATGGCACACTCCCTCCAGGGAGGATGAGTCACGCCTCCATGGGCAACCGGCCTTA-3'
Protein context (NP_006006.3, residues 838-858): GGQMHGQPGI[Pro848Gln]PYGTLPPGRM